The following is an entry in ClinVar:

NM_198576.4(AGRN):c.3430G>A (p.Glu1144Lys)

Gene: AGRN (agrin; plus strand). Cytogenetic location: 1p36.33.
Variant type: single nucleotide variant.
Coding change: c.3430G>A on transcript NM_198576.4 (MANE Select); coding-DNA position 3430, G replaced by A.
Protein change: p.Glu1144Lys; replaces glutamic acid 1144 with lysine.
Molecular consequence: missense variant.
Genome position (GRCh38, 1-based): chr1:1,047,368, G>A. VCF-style: chr1-1047368-G-A. GRCh37 (hg19) VCF-style: chr1-982748-G-A.
Other names: c.3430G>A, p.Glu1144Lys (NM_001305275.2); c.3115G>A, p.Glu1039Lys (NM_001364727.2); short protein forms E1039K, E1144K.
Identifiers: ClinVar variation 1697104 (VCV001697104.2), dbSNP rs200603885, ClinGen allele CA509071.

ClinVar aggregate classification (germline): Uncertain significance (1 of 4 stars; one submission).

Allele frequency attached by ClinVar (database versions not stated): gnomAD 0.00001; gnomAD exomes 0.00001; ExAC 0.00002; 1000 Genomes Project 30x 0.00016; 1000 Genomes Project 0.00020.
gnomAD v4.1: 10 of 1,609,914 alleles (0.00062%); highest among the groups gnomAD compares: East Asian, 0.0022%; no homozygotes.

Submission:

GeneDx
Classification: Uncertain significance. Last evaluated: 2022-01-13. Review status: criteria provided, single submitter. Criteria: GeneDx Variant Classification Process June 2021. Collection method: clinical testing. Allele origin: germline. Affected: yes.
Comment: Not observed at significant frequency in large population cohorts (gnomAD); In silico analysis supports that this missense variant does not alter protein structure/function; Has not been previously published as pathogenic or benign to our knowledge